The following is an entry in ClinVar:

NM_001377.3(DYNC2H1):c.1248+1G>A

Gene: DYNC2H1 (dynein cytoplasmic 2 heavy chain 1; plus strand). Cytogenetic location: 11q22.3.
Variant type: single nucleotide variant.
Coding change: c.1248+1G>A on transcript NM_001377.3 (MANE Select); the canonical splice donor site of the intron after coding-DNA position 1248, G replaced by A.
Molecular consequence: splice donor variant.
Genome position (GRCh38, 1-based): chr11:103,120,803, G>A. VCF-style: chr11-103120803-G-A. GRCh37 (hg19) VCF-style: chr11-102991532-G-A.
Other names: c.1248+1G>A (NM_001080463.2).
Identifiers: ClinVar variation 1479975 (VCV001479975.8), dbSNP rs1389651809, ClinGen allele CA382251198.
Genomic context (GRCh38, chr11:103,120,803, plus strand): 5'-CAAAAAATAGCAGGAAAATTGAAAAATTATATTTCAGAAATTCAAGACAGTCCACAGCAG[G>A]TAAAACATTGAGATATTTCACTTTTAATATTTCTCTTAAGCTAATATATATATAAAAATA-3'

ClinVar aggregate classification (germline): Likely pathogenic (1 of 4 stars; one submission).

Conditions:
Jeune thoracic dystrophy. Also called: Jeune syndrome; Infantile thoracic dystrophy; Thoracic pelvic phalangeal dystrophy; Jeune's syndrome; Chondroectodermal dysplasia-like syndrome; Short-rib thoracic dysplasia. Identifiers: Orphanet 474, MedGen C0265275, MONDO:0018770.

Allele frequency attached by ClinVar (database versions not stated): gnomAD 0.00001.

Submission:

Labcorp Genetics (formerly Invitae), Labcorp
Classification: Likely pathogenic for Jeune thoracic dystrophy. Last evaluated: 2022-07-25. Review status: criteria provided, single submitter. Criteria: Invitae Variant Classification Sherloc (09022015). Collection method: clinical testing. Allele origin: germline.
Comment: In summary, the currently available evidence indicates that the variant is pathogenic, but additional data are needed to prove that conclusively. Therefore, this variant has been classified as Likely Pathogenic. Algorithms developed to predict the effect of sequence changes on RNA splicing suggest that this variant may disrupt the consensus splice site. ClinVar contains an entry for this variant (Variation ID: 1479975). This variant has not been reported in the literature in individuals affected with DYNC2H1-related conditions. This variant is not present in population databases (gnomAD no frequency). This sequence change affects a donor splice site in intron 8 of the DYNC2H1 gene. It is expected to disrupt RNA splicing. Variants that disrupt the donor or acceptor splice site typically lead to a loss of protein function (PMID: 16199547), and loss-of-function variants in DYNC2H1 are known to be pathogenic (PMID: 23339108, 32753734).

Literature cited by the submitters: PubMed 16199547; PubMed 23339108; PubMed 32753734.